The following is an entry in ClinVar:

NM_007198.4(PLPBP):c.137G>A (p.Ser46Asn)

Gene: PLPBP (pyridoxal phosphate binding protein; plus strand). Cytogenetic location: 8p11.23.
Variant type: single nucleotide variant.
Coding change: c.137G>A on transcript NM_007198.4 (MANE Select); coding-DNA position 137, G replaced by A.
Protein change: p.Ser46Asn; replaces serine 46 with asparagine.
Molecular consequence: missense variant. On other transcripts: 5 prime UTR variant (1).
Genome position (GRCh38, 1-based): chr8:37,765,563, G>A. VCF-style: chr8-37765563-G-A. GRCh37 (hg19) VCF-style: chr8-37623081-G-A.
Other names: c.137G>A, p.Ser46Asn (NM_001349346.2, NM_001349347.2); c.-20G>A (NM_001349348.2); c.242G>A, p.Ser81Asn (NM_001349349.1); short protein forms S81N, S46N.
Identifiers: ClinVar variation 1027730 (VCV001027730.1), dbSNP rs372469431, ClinGen allele CA4711140.

ClinVar aggregate classification (germline): Uncertain significance (1 of 4 stars; one submission).

Conditions:
Epilepsy, early-onset, vitamin B6-dependent. Also called: EPILEPSY, EARLY-ONSET, 1, VITAMIN B6-DEPENDENT; PLPBP Deficiency. Identifiers: MedGen C4310632, MONDO:0015005, OMIM 617290.

Allele frequency attached by ClinVar (database versions not stated): gnomAD exomes below 0.00001; TOPMed below 0.00001; gnomAD 0.00001; ExAC 0.00002; ESP Exome Variant Server 0.00008.
gnomAD v4.1: 2 of 1,613,906 alleles (0.00012%); highest among the groups gnomAD compares: African/African-American, 0.0013%; no homozygotes.

Submission:

Baylor Genetics
Classification: Uncertain significance for Epilepsy, early-onset, vitamin B6-dependent. Last evaluated: 2020-07-09. Review status: criteria provided, single submitter. Criteria: ACMG Guidelines, 2015. Collection method: clinical testing. Allele origin: unknown. Affected: yes.
Comment: This variant was determined to be of uncertain significance according to ACMG Guidelines, 2015 [PMID:25741868].